The following is an entry in ClinVar:

ClinVar aggregate classification (germline): Likely benign. Review status: criteria provided, single submitter (1 of 4 stars). 2 submissions from 2 submitters: Likely benign (1). 1 of the submissions does not count toward it. Last evaluated 2019-12-31.

Conditions:
ADCY6-related disorder. Also called: ADCY6-related condition.

Allele frequency attached by ClinVar (database versions not stated): TOPMed 0.00004; gnomAD 0.00006 and 0.00007; gnomAD exomes 0.00007 and 0.00012; ExAC 0.00008; 1000 Genomes Project 30x 0.00016; 1000 Genomes Project 0.00020.

Submissions (2):

Labcorp Genetics (formerly Invitae), Labcorp
Classification: Likely benign. Last evaluated: 2019-12-31. Review status: criteria provided, single submitter. Criteria: Invitae Variant Classification Sherloc (09022015). Collection method: clinical testing. Allele origin: germline.

PreventionGenetics, part of Exact Sciences
Classification: Likely benign for ADCY6-related condition. Last evaluated: 2019-08-09. Review status: no assertion criteria provided. Collection method: clinical testing. Allele origin: germline. Not counted in ClinVar's aggregate classification.
Comment: This variant is classified as likely benign based on ACMG/AMP sequence variant interpretation guidelines (Richards et al. 2015 PMID: 25741868, with internal and published modifications).

NM_015270.5(ADCY6):c.273C>T (p.Phe91=)

Gene: ADCY6 (adenylate cyclase 6; minus strand). Cytogenetic location: 12q13.12.
Variant type: single nucleotide variant.
Coding change: c.273C>T on transcript NM_015270.5 (MANE Select); coding-DNA position 273, C replaced by T.
Protein change: p.Phe91=; no amino-acid change (phenylalanine 91 retained).
Molecular consequence: synonymous variant.
Genome position (GRCh38, 1-based): chr12:48,783,162, G>A on the plus strand (C>T on the coding strand, the complement: ADCY6 is on the minus strand). VCF-style: chr12-48783162-G-A. GRCh37 (hg19) VCF-style: chr12-49176945-G-A.
Identifiers: ClinVar variation 792166 (VCV000792166.6), dbSNP rs201423806, ClinGen allele CA6541622.
Genomic context (GRCh38, chr12:48,783,162, plus strand): 5'-CACCGCGTCGGGCGCCACCTCAGCCGTCCCGCCCGCTGTCGTTGTCACCTCGGTATCCTC[G>A]AAGCCCAGGGCCACTGCCCGCAGCCCCAGCTCCTTGCCCTTGCCTGGGCCGCCCCTCCGG-3'
Protein context (NP_056085.1, residues 81-101): ELGLRAVALG[Phe91=]EDTEVTTTAG